The following is an entry in ClinVar:

ClinVar aggregate classification (germline): Uncertain significance (1 of 4 stars; one submission).

Submission:

GeneDx
Classification: Uncertain significance. Last evaluated: 2022-04-22. Review status: criteria provided, single submitter. Criteria: GeneDx Variant Classification Process June 2021. Collection method: clinical testing. Allele origin: germline. Affected: yes.
Comment: Not observed at significant frequency in large population cohorts (gnomAD); In silico analysis supports that this missense variant does not alter protein structure/function; Has not been previously published as pathogenic or benign to our knowledge

NM_006593.4(TBR1):c.1235A>C (p.Asn412Thr)

Gene: TBR1 (T-box brain transcription factor 1; plus strand). Cytogenetic location: 2q24.2.
Variant type: single nucleotide variant.
Coding change: c.1235A>C on transcript NM_006593.4 (MANE Select); coding-DNA position 1235, A replaced by C.
Protein change: p.Asn412Thr; replaces asparagine 412 with threonine.
Molecular consequence: missense variant.
Genome position (GRCh38, 1-based): chr2:161,423,413, A>C. VCF-style: chr2-161423413-A-C. GRCh37 (hg19) VCF-style: chr2-162279924-A-C.
Other names: short protein forms N412T.
Identifiers: ClinVar variation 1712060 (VCV001712060.2), dbSNP rs774147328, ClinGen allele CA349213284.